The following is an entry in ClinVar:

ClinVar aggregate classification (germline): Uncertain significance (1 of 4 stars; one submission).

Conditions:
Developmental and epileptic encephalopathy 94 (DEE94). Also called: CHD2-Related Neurodevelopmental Disorders; Epileptic encephalopathy, childhood-onset. Identifiers: Orphanet 1942, Orphanet 2382, MedGen C3809278, MONDO:0014150, OMIM 615369.

Submission:

Labcorp Genetics (formerly Invitae), Labcorp
Classification: Uncertain significance for Developmental and epileptic encephalopathy 94. Last evaluated: 2022-12-13. Review status: criteria provided, single submitter. Criteria: Invitae Variant Classification Sherloc (09022015). Collection method: clinical testing. Allele origin: germline.
Comment: In summary, the available evidence is currently insufficient to determine the role of this variant in disease. Therefore, it has been classified as a Variant of Uncertain Significance. Algorithms developed to predict the effect of sequence changes on RNA splicing suggest that this variant may disrupt the consensus splice site. Algorithms developed to predict the effect of missense changes on protein structure and function (SIFT, PolyPhen-2, Align-GVGD) all suggest that this variant is likely to be disruptive. This variant has not been reported in the literature in individuals affected with CHD2-related conditions. This variant is not present in population databases (gnomAD no frequency). This sequence change replaces tryptophan, which is neutral and slightly polar, with cysteine, which is neutral and slightly polar, at codon 314 of the CHD2 protein (p.Trp314Cys).

NM_001271.4(CHD2):c.942G>T (p.Trp314Cys)

Gene: CHD2 (chromodomain helicase DNA binding protein 2; plus strand). Cytogenetic location: 15q26.1.
Variant type: single nucleotide variant.
Coding change: c.942G>T on transcript NM_001271.4 (MANE Select); coding-DNA position 942, G replaced by T.
Protein change: p.Trp314Cys; replaces tryptophan 314 with cysteine.
Molecular consequence: missense variant.
Genome position (GRCh38, 1-based): chr15:92,942,958, G>T. VCF-style: chr15-92942958-G-T. GRCh37 (hg19) VCF-style: chr15-93486188-G-T.
Other names: c.942G>T, p.Trp314Cys (NM_001042572.3); short protein forms W314C.
Identifiers: ClinVar variation 2820180 (VCV002820180.3), dbSNP rs2505446972, ClinGen allele CA393901857.